The following is an entry in ClinVar:

ClinVar aggregate classification (germline): Likely benign (1 of 4 stars; one submission).

gnomAD v4.1: 7 of 1,612,576 alleles (0.00043%); highest among the groups gnomAD compares: Admixed American, 0.0033%; no homozygotes.

Submission:

CeGaT Center for Human Genetics Tuebingen
Classification: Likely benign. Last evaluated: 2026-01-01. Review status: criteria provided, single submitter. Criteria: CeGaT Center For Human Genetics Tuebingen Variant Classification Criteria Version 2. Collection method: clinical testing. Allele origin: germline. Affected: yes. Observed: 1 variant allele.
Comment: NPM1: BP4, BP7

NM_002520.7(NPM1):c.30C>T (p.Ser10=)

Gene: NPM1 (nucleophosmin 1; plus strand). Cytogenetic location: 5q35.1.
Variant type: single nucleotide variant.
Coding change: c.30C>T on transcript NM_002520.7 (MANE Select); coding-DNA position 30, C replaced by T.
Protein change: p.Ser10=; no amino-acid change (serine 10 retained).
Molecular consequence: synonymous variant. On other transcripts: 5 prime UTR variant (1), non-coding transcript variant (1).
Genome position (GRCh38, 1-based): chr5:171,387,978, C>T. VCF-style: chr5-171387978-C-T. GRCh37 (hg19) VCF-style: chr5-170814982-C-T.
Other names: c.30C>T, p.Ser10= (NM_001037738.3, NM_001355006.2, NM_001355009.2 and 2 more transcripts); c.-83C>T (NM_001355007.2).
Identifiers: ClinVar variation 4822163 (VCV004822163.4).
Genomic context (GRCh38, chr5:171,387,978, plus strand): 5'-TCTCTCCTACCTAAGTGCGTGCCGCCACCCGATGGAAGATTCGATGGACATGGACATGAG[C>T]CCCCTGAGGCCCCAGAACTATCTTTTCGGTAACTGCTGGGGGGAGCTGGAGCGAGGCCGA-3'
Protein context (NP_002511.1, residues 1-20): MEDSMDMDM[Ser10=]PLRPQNYLFG